The following is an entry in ClinVar:

ClinVar aggregate classification (germline): Uncertain significance. Review status: criteria provided, multiple submitters, no conflicts (2 of 4 stars). 3 submissions from 3 submitters: Uncertain significance (3). Last evaluated 2026-05-08.

Conditions:
Charcot-Marie-Tooth disease type 4. Also called: Charcot-Marie-Tooth disease, type IV; Charcot-Marie-Tooth, Type 4. Identifiers: Orphanet 64749, MedGen C4082197, MONDO:0018995.

Allele frequency attached by ClinVar (database versions not stated): ExAC 0.00002; gnomAD exomes 0.00001; TOPMed 0.00001.
gnomAD v4.1: 12 of 1,613,870 alleles (0.00074%); highest among the groups gnomAD compares: South Asian, 0.0011%; no homozygotes.

Submissions (3):

Women's Health and Genetics/Laboratory Corporation of America, LabCorp
Classification: Uncertain significance. Last evaluated: 2026-05-08. Review status: criteria provided, single submitter. Criteria: LabCorp Variant Classification Summary - May 2015. Collection method: clinical testing. Allele origin: germline.
Comment: Variant summary: FIG4 c.244G>A (p.Gly82Arg) results in a non-conservative amino acid change in the encoded protein sequence. Algorithms developed to predict the effect of missense changes on protein structure and function are either unavailable or do not agree on the potential impact of this missense change. The variant allele was found at a frequency of 1.2e-05 in 251486 control chromosomes. The available data on variant occurrences in the general population are insufficient to allow any conclusion about variant significance. To our knowledge, no occurrence of c.244G>A in individuals affected with FIG4-related conditions and no experimental evidence demonstrating its impact on protein function have been reported. ClinVar contains an entry for this variant (Variation ID: 935870). Based on the evidence outlined above, the variant was classified as uncertain significance.

Athena Diagnostics
Classification: Uncertain significance. Last evaluated: 2023-09-07. Review status: criteria provided, single submitter. Criteria: Athena Diagnostics Criteria. Collection method: clinical testing. Allele origin: unknown.
Comment: Available data are insufficient to determine the clinical significance of the variant at this time. The frequency of this variant in the general population is uninformative in assessment of its pathogenicity. Computational tools disagree on the variant's effect on normal protein function.

Labcorp Genetics (formerly Invitae), Labcorp
Classification: Uncertain significance for Charcot-Marie-Tooth disease type 4. Last evaluated: 2021-08-31. Review status: criteria provided, single submitter. Criteria: Invitae Variant Classification Sherloc (09022015). Collection method: clinical testing. Allele origin: germline.

NM_014845.6(FIG4):c.244G>A (p.Gly82Arg)

Gene: FIG4 (FIG4 phosphoinositide 5-phosphatase; plus strand). Cytogenetic location: 6q21.
Variant type: single nucleotide variant.
Coding change: c.244G>A on transcript NM_014845.6 (MANE Select); coding-DNA position 244, G replaced by A.
Protein change: p.Gly82Arg; replaces glycine 82 with arginine.
Molecular consequence: missense variant.
Genome position (GRCh38, 1-based): chr6:109,716,523, G>A. VCF-style: chr6-109716523-G-A. GRCh37 (hg19) VCF-style: chr6-110037726-G-A.
Other names: short protein forms G82R.
Identifiers: ClinVar variation 935870 (VCV000935870.7), dbSNP rs774546266, ClinGen allele CA3955716.